The following is an entry in ClinVar:

ClinVar aggregate classification (germline): Uncertain significance. Review status: criteria provided, multiple submitters, no conflicts (2 of 4 stars). 2 submissions from 2 submitters: Uncertain significance (2). Last evaluated 2023-02-08.

Conditions:
Cardiovascular phenotype. Identifiers: MedGen CN230736.

Submissions (2):

Ambry Genetics
Classification: Uncertain significance for Cardiovascular phenotype. Last evaluated: 2023-02-08. Review status: criteria provided, single submitter. Criteria: Ambry Variant Classification Scheme 2023. Collection method: clinical testing. Allele origin: germline.
Comment: The p.P133L variant (also known as c.398C>T), located in coding exon 1 of the ALPK3 gene, results from a C to T substitution at nucleotide position 398. The proline at codon 133 is replaced by leucine, an amino acid with similar properties. This amino acid position is conserved. In addition, this alteration is predicted to be tolerated by in silico analysis. Since supporting evidence is limited at this time, the clinical significance of this alteration remains unclear.

Labcorp Genetics (formerly Invitae), Labcorp
Classification: Uncertain significance. Last evaluated: 2022-07-21. Review status: criteria provided, single submitter. Criteria: Invitae Variant Classification Sherloc (09022015). Collection method: clinical testing. Allele origin: germline.
Comment: This sequence change replaces proline, which is neutral and non-polar, with leucine, which is neutral and non-polar, at codon 133 of the ALPK3 protein (p.Pro133Leu). This variant is not present in population databases (gnomAD no frequency). This variant has not been reported in the literature in individuals affected with ALPK3-related conditions. Algorithms developed to predict the effect of missense changes on protein structure and function are either unavailable or do not agree on the potential impact of this missense change (SIFT: "Tolerated"; PolyPhen-2: "Possibly Damaging"; Align-GVGD: "Class C0"). In summary, the available evidence is currently insufficient to determine the role of this variant in disease. Therefore, it has been classified as a Variant of Uncertain Significance.

NC_000015.10:g.84817244C>T

Gene: ALPK3 (alpha kinase 3; plus strand). Cytogenetic location: 15q25.3.
Variant type: single nucleotide variant.
Genome position: GRCh38 VCF-style: chr15-84817244-C-T. GRCh37 (hg19) VCF-style: chr15-85360475-C-T.
Other names: short protein forms P133L.
Identifiers: ClinVar variation 2187244 (VCV002187244.5), dbSNP rs1175742703, ClinGen allele CA393368830.